The following is an entry in ClinVar:

ClinVar aggregate classification (germline): Uncertain significance (1 of 4 stars; one submission).

Conditions:
Evans syndrome, immunodeficiency, and premature immunosenescence associated with tripeptidyl-peptidase II deficiency. Identifiers: MedGen CN231723. Disease mechanism: loss of function.

Allele frequency attached by ClinVar (database versions not stated): gnomAD 0.00001; TOPMed 0.00001; ExAC 0.00002; gnomAD exomes 0.00002; ESP Exome Variant Server 0.00008.
gnomAD v4.1: 45 of 1,612,776 alleles (0.0028%); highest among the groups gnomAD compares: Non-Finnish European, 0.0037%; no homozygotes.

Submission:

Labcorp Genetics (formerly Invitae), Labcorp
Classification: Uncertain significance for Evans syndrome, immunodeficiency, and premature immunosenescence associated with tripeptidyl-peptidase II deficiency. Last evaluated: 2025-10-29. Review status: criteria provided, single submitter. Criteria: Invitae Variant Classification Sherloc (09022015). Collection method: clinical testing. Allele origin: germline.
Comment: This sequence change replaces proline, which is neutral and non-polar, with serine, which is neutral and polar, at codon 553 of the TPP2 protein (p.Pro553Ser). This variant is present in population databases (rs370978141, gnomAD 0.004%). This variant has not been reported in the literature in individuals affected with TPP2-related conditions. ClinVar contains an entry for this variant (Variation ID: 1414694). An algorithm developed to predict the effect of missense changes on protein structure and function (PolyPhen-2) suggests that this variant is likely to be disruptive. In summary, the available evidence is currently insufficient to determine the role of this variant in disease. Therefore, it has been classified as a Variant of Uncertain Significance.

NM_001330588.2(TPP2):c.1657C>T (p.Pro553Ser)

Gene: TPP2 (tripeptidyl peptidase 2; plus strand). Cytogenetic location: 13q33.1.
Variant type: single nucleotide variant.
Coding change: c.1657C>T on transcript NM_001330588.2 (MANE Select); coding-DNA position 1657, C replaced by T.
Protein change: p.Pro553Ser; replaces proline 553 with serine.
Molecular consequence: missense variant. On other transcripts: non-coding transcript variant (1).
Genome position (GRCh38, 1-based): chr13:102,636,371, C>T. VCF-style: chr13-102636371-C-T. GRCh37 (hg19) VCF-style: chr13-103288721-C-T.
Other names: c.1657C>T, p.Pro553Ser (NM_001367947.1, NM_003291.4); short protein forms P553S.
Identifiers: ClinVar variation 1414694 (VCV001414694.6), dbSNP rs370978141, ClinGen allele CA7037784.